The following is an entry in ClinVar:

NM_018398.3(CACNA2D3):c.520G>A (p.Val174Ile)

Gene: CACNA2D3 (calcium voltage-gated channel auxiliary subunit alpha2delta 3; plus strand). Cytogenetic location: 3p14.3.
Variant type: single nucleotide variant.
Coding change: c.520G>A on transcript NM_018398.3 (MANE Select); coding-DNA position 520, G replaced by A.
Protein change: p.Val174Ile; replaces valine 174 with isoleucine.
Molecular consequence: missense variant.
Genome position (GRCh38, 1-based): chr3:54,503,630, G>A. VCF-style: chr3-54503630-G-A. GRCh37 (hg19) VCF-style: chr3-54537657-G-A.
Other names: short protein forms V174I.
Identifiers: ClinVar variation 3344247 (VCV003344247.1).
Genomic context (GRCh38, chr3:54,503,630, plus strand): 5'-TTAGCCCCAAATGACCATTTTAATAATTTGCCTGTGAACATCAGTCTAAGTGACGTCCAA[G>A]TACCAACGAACATGTACAACAAAGGTAAGACTCCCAGCCACTGCTCCTTTTAGAAGGTGA-3'
Protein context (NP_060868.2, residues 164-184): PVNISLSDVQ[Val174Ile]PTNMYNKDPA

ClinVar aggregate classification (germline): Uncertain significance (0 of 4 stars; one submission).

Conditions:
CACNA2D3-related disorder. Also called: CACNA2D3-related condition.

gnomAD v4.1: 1 of 1,613,828 alleles (0.000062%); highest among the groups gnomAD compares: Non-Finnish European, 0.000085%; no homozygotes.

Submission:

PreventionGenetics, part of Exact Sciences
Classification: Uncertain significance for CACNA2D3-related condition. Last evaluated: 2024-05-10. Review status: no assertion criteria provided. Collection method: clinical testing. Allele origin: germline.
Comment: The CACNA2D3 c.520G>A variant is predicted to result in the amino acid substitution p.Val174Ile. To our knowledge, this variant has not been reported in the literature or in a large population database, indicating this variant is rare. At this time, the clinical significance of this variant is uncertain due to the absence of conclusive functional and genetic evidence.